The following is an entry in ClinVar:

NM_006767.4(LZTR1):c.1943-326G>A

Gene: LZTR1 (leucine zipper like post translational regulator 1; plus strand). Cytogenetic location: 22q11.21.
Variant type: single nucleotide variant.
Coding change: c.1943-326G>A on transcript NM_006767.4 (MANE Select); 326 bases into the intron before coding-DNA position 1943, G replaced by A.
Molecular consequence: intron variant.
Genome position (GRCh38, 1-based): chr22:20,995,420, G>A. VCF-style: chr22-20995420-G-A. GRCh37 (hg19) VCF-style: chr22-21349709-G-A.
Identifiers: ClinVar variation 3238176 (VCV003238176.2), dbSNP rs775612342.

ClinVar aggregate classification (germline): Uncertain significance (1 of 4 stars; one submission).

Conditions:
Hereditary cancer-predisposing syndrome. Also called: Neoplastic Syndromes, Hereditary; Tumor predisposition; Hereditary neoplastic syndrome; Hereditary Cancer Syndrome. Identifiers: Orphanet 140162, MedGen C0027672, MeSH D009386, MONDO:0015356.
Cardiovascular phenotype. Identifiers: MedGen CN230736.

gnomAD v4.1: 13 of 622,626 alleles (0.0021%); highest among the groups gnomAD compares: East Asian, 0.0035%; no homozygotes.

Submission:

Ambry Genetics
Classification: Uncertain significance for Cardiovascular phenotype; Hereditary cancer-predisposing syndrome. Last evaluated: 2024-12-06. Review status: criteria provided, single submitter. Criteria: Ambry Variant Classification Scheme 2023. Collection method: clinical testing. Allele origin: germline.
Comment: The c.1943-326G>A intronic variant results from a G to A substitution 326 nucleotides upstream from coding exon 17 in the LZTR1 gene. This nucleotide position is well conserved in available vertebrate species. In silico splice site analysis predicts that this alteration may result in the creation or strengthening of novel splice donor and acceptor sites, creating a cryptic exon within the intron; however, direct evidence is insufficient at this time (Ambry internal data). Based on the available evidence, the clinical significance of this variant remains unclear.